The following is an entry in ClinVar:

ClinVar aggregate classification (germline): Uncertain significance (1 of 4 stars; one submission).

Conditions:
Brown-Vialetto-van Laere syndrome 2. Also called: Riboflavin transporter deficiency type 2; SPINOCEREBELLAR ATAXIA WITH BLINDNESS AND DEAFNESS 2. Identifiers: Orphanet 572543, Orphanet 97229, MedGen C3553538, MONDO:0013867, OMIM 614707.

Allele frequency attached by ClinVar (database versions not stated): gnomAD exomes 0.00001.

Submission:

Labcorp Genetics (formerly Invitae), Labcorp
Classification: Uncertain significance for Brown-Vialetto-van Laere syndrome 2. Last evaluated: 2021-08-02. Review status: criteria provided, single submitter. Criteria: Invitae Variant Classification Sherloc (09022015). Collection method: clinical testing. Allele origin: germline.
Comment: This sequence change replaces histidine with glutamine at codon 434 of the SLC52A2 protein (p.His434Gln). The histidine residue is weakly conserved and there is a small physicochemical difference between histidine and glutamine. This variant is not present in population databases (ExAC no frequency). This variant has not been reported in the literature in individuals affected with SLC52A2-related conditions. Advanced modeling of protein sequence and biophysical properties (such as structural, functional, and spatial information, amino acid conservation, physicochemical variation, residue mobility, and thermodynamic stability) performed at Invitae indicates that this missense variant is not expected to disrupt SLC52A2 protein function. Algorithms developed to predict the effect of sequence changes on RNA splicing suggest that this variant may create or strengthen a splice site. In summary, the available evidence is currently insufficient to determine the role of this variant in disease. Therefore, it has been classified as a Variant of Uncertain Significance.

NM_001363118.2(SLC52A2):c.1302C>G (p.His434Gln)

Gene: SLC52A2 (solute carrier family 52 member 2; plus strand). Cytogenetic location: 8q24.3.
Variant type: single nucleotide variant.
Coding change: c.1302C>G on transcript NM_001363118.2 (MANE Select); coding-DNA position 1302, C replaced by G.
Protein change: p.His434Gln; replaces histidine 434 with glutamine.
Molecular consequence: missense variant. On other transcripts: non-coding transcript variant (1).
Genome position (GRCh38, 1-based): chr8:144,360,979, C>G. VCF-style: chr8-144360979-C-G. GRCh37 (hg19) VCF-style: chr8-145584639-C-G.
Other names: c.1302C>G, p.His434Gln (NM_001253815.2, NM_001253816.2, NM_001363120.2 and 2 more transcripts); c.810C>G, p.His270Gln (NM_001363122.2); short protein forms H434Q, H270Q.
Identifiers: ClinVar variation 1492459 (VCV001492459.3), dbSNP rs1554854658, ClinGen allele CA372630416.